The following is an entry in ClinVar:

ClinVar aggregate classification (germline): Uncertain significance (1 of 4 stars; one submission).

Conditions:
Glycogen storage disease due to muscle and heart glycogen synthase deficiency. Also called: GSD 0b; MUSCLE GLYCOGEN SYNTHASE DEFICIENCY. Identifiers: Orphanet 137625, MedGen C1969054, MONDO:0012693, OMIM 611556.

Allele frequency attached by ClinVar (database versions not stated): gnomAD exomes below 0.00001; TOPMed 0.00001; ESP Exome Variant Server 0.00008.
gnomAD v4.1: 1 of 1,613,186 alleles (0.000062%); highest among the groups gnomAD compares: African/African-American, 0.0013%; no homozygotes.

Submission:

Labcorp Genetics (formerly Invitae), Labcorp
Classification: Uncertain significance for Glycogen storage disease due to muscle and heart glycogen synthase deficiency. Last evaluated: 2022-01-21. Review status: criteria provided, single submitter. Criteria: Invitae Variant Classification Sherloc (09022015). Collection method: clinical testing. Allele origin: germline.
Comment: In summary, the available evidence is currently insufficient to determine the role of this variant in disease. Therefore, it has been classified as a Variant of Uncertain Significance. Algorithms developed to predict the effect of missense changes on protein structure and function are either unavailable or do not agree on the potential impact of this missense change (SIFT: "Deleterious"; PolyPhen-2: "Probably Damaging"; Align-GVGD: "Class C0"). This variant has not been reported in the literature in individuals affected with GYS1-related conditions. This variant is not present in population databases (gnomAD no frequency). This sequence change replaces arginine, which is basic and polar, with proline, which is neutral and non-polar, at codon 603 of the GYS1 protein (p.Arg603Pro).

NM_002103.5(GYS1):c.1808G>C (p.Arg603Pro)

Gene: GYS1 (glycogen synthase 1; minus strand). Cytogenetic location: 19q13.33.
Variant type: single nucleotide variant.
Coding change: c.1808G>C on transcript NM_002103.5 (MANE Select); coding-DNA position 1808, G replaced by C.
Protein change: p.Arg603Pro; replaces arginine 603 with proline.
Molecular consequence: missense variant. On other transcripts: non-coding transcript variant (1).
Genome position (GRCh38, 1-based): chr19:48,970,547, C>G on the plus strand (G>C on the coding strand, the complement: GYS1 is on the minus strand). VCF-style: chr19-48970547-C-G. GRCh37 (hg19) VCF-style: chr19-49473804-C-G.
Other names: c.1616G>C, p.Arg539Pro (NM_001161587.2); short protein forms R539P, R603P.
Identifiers: ClinVar variation 1369858 (VCV001369858.6), dbSNP rs143040823, ClinGen allele CA309383836.
Genomic context (GRCh38, chr19:48,970,547, plus strand): 5'-AGACCCCTAGCCAGGAGCTGCTGATTTGCCAGGAGAGGATAGGAAAGTGGGGGTCCTACC[C>G]GGCCTAGGTATTTCCAGTCCAGAAGGTCGGAGAGGCGCTCCGTGCGGTTCCGCTGGATGA-3'
Protein context (NP_002094.2, residues 593-613): SDLLDWKYLG[Arg603Pro]YYMSARHMAL